The following is an entry in ClinVar:

NM_000540.3(RYR1):c.2875A>G (p.Met959Val)

Gene: RYR1 (ryanodine receptor 1; plus strand). Cytogenetic location: 19q13.2.
Variant type: single nucleotide variant.
Coding change: c.2875A>G on transcript NM_000540.3 (MANE Select); coding-DNA position 2875, A replaced by G.
Protein change: p.Met959Val; replaces methionine 959 with valine.
Molecular consequence: missense variant.
Genome position (GRCh38, 1-based): chr19:38,466,095, A>G. VCF-style: chr19-38466095-A-G. GRCh37 (hg19) VCF-style: chr19-38956735-A-G.
Other names: c.2875A>G, p.Met959Val (NM_001042723.2); short protein forms M959V.
Identifiers: ClinVar variation 3070289 (VCV003070289.1), dbSNP rs2514092700, ClinGen allele CA405634614.
Genomic context (GRCh38, chr19:38,466,095, plus strand): 5'-AGAGCCCGGAAGTGGAGGTGAGGGCCTTGTCCCATGGAGCCCTACCATGCCCGCAGGTAT[A>G]TGATGAGCAATGGGTACAAGCCGGCTCCGCTGGACCTGAGCCACGTGCGGCTGACGCCGG-3'
Protein context (NP_000531.2, residues 949-969): LKKTKLPKTY[Met959Val]MSNGYKPAPL

ClinVar aggregate classification (germline): Uncertain significance (1 of 4 stars; one submission).

Conditions:
Malignant hyperthermia, susceptibility to, 1 (MHS1). Also called: RYR1-Related Malignant Hyperthermia Susceptibility; Anesthesia related hyperthermia; Malignant hyperpyrexia; Fulminating hyperpyrexia; Pharmacogenic myopathy; Malignant hyperthermia suceptibility 1. Identifiers: Orphanet 423, MedGen C2930980, MONDO:0007783, OMIM 145600.

Allele frequency attached by ClinVar (database versions not stated): gnomAD exomes below 0.00001.
gnomAD v4.1: 1 of 1,609,522 alleles (0.000062%); highest among the groups gnomAD compares: Non-Finnish European, 0.000085%; no homozygotes.

Submission:

All of Us Research Program, National Institutes of Health
Classification: Uncertain significance for Malignant hyperthermia, susceptibility to, 1. Last evaluated: 2023-04-03. Review status: criteria provided, single submitter. Criteria: ACMG Guidelines, 2015. Collection method: clinical testing. Allele origin: germline. Inheritance: Autosomal dominant inheritance. Observed: 1 variant allele, 1 heterozygote.
Comment: This missense variant replaces methionine with valine at codon 959 of the RYR1 protein. Computational prediction suggests that this variant may not impact protein structure and function (internally defined REVEL score threshold <= 0.5, PMID: 27666373). To our knowledge, functional studies have not been reported for this variant. This variant has not been reported in individuals affected with RYR1-related disorders in the literature. This variant has not been identified in the general population by the Genome Aggregation Database (gnomAD). The available evidence is insufficient to determine the role of this variant in disease conclusively. Therefore, this variant is classified as a Variant of Uncertain Significance.

This study involves interpretation of variants in research participants for the purpose of population health screening. Participant phenotype was not available at the time of variant classification. Additional details can be found in publication PMID: 35346344, PMCID: PMC8962531